The following is an entry in ClinVar:

NM_001365902.3(NFIX):c.324dup (p.Asp109fs)

Gene: NFIX (nuclear factor I X; plus strand). Cytogenetic location: 19p13.13.
Variant type: Duplication.
Coding change: c.324dup on transcript NM_001365902.3 (MANE Select); coding-DNA position 324, one base duplicated (C; older notation c.324dupC).
Protein change: p.Asp109fs; shifts the reading frame from aspartic acid 109.
Molecular consequence: frameshift variant.
Genome position (GRCh38, 1-based): chr19:13,025,317, C duplicated; the last of 4 consecutive C bases (chr19:13,025,314-13,025,317); duplicating any one gives the same sequence. VCF-style (leftmost placement, unchanged base first): chr19-13025313-A-AC. GRCh37 (hg19) VCF-style: chr19-13136127-A-AC.
Other names: c.348dupC (NM_001271043.2); c.348dup, p.Asp117fs (NM_001271043.2); c.300dup, p.Asp101fs (NM_001271044.3, NM_001378404.1); c.324dup, p.Asp109fs (NM_001365982.2, NM_002501.4); c.183dup, p.Asp62fs (NM_001365983.2); c.321dup, p.Asp108fs (NM_001365984.2, NM_001365985.2); c.372dup, p.Asp125fs (NM_001378405.1); short protein forms D62fs, D108fs, D117fs, D101fs, D109fs, D125fs.
Identifiers: ClinVar variation 503947 (VCV000503947.2), dbSNP rs1555696587, ClinGen allele CA658799165.

ClinVar aggregate classification (germline): Pathogenic (1 of 4 stars; one submission).

Submission:

GeneDx
Classification: Pathogenic. Last evaluated: 2017-12-28. Review status: criteria provided, single submitter. Criteria: GeneDx Variant Classification (06012015). Collection method: clinical testing. Allele origin: germline. Affected: yes.
Comment: The c.348dupC variant in the NFIX has not been reported previously as a pathogenic variant nor as a benign variant, to our knowledge. The c.348dupC variant causes a frameshift starting with codon Aspartic acid 117, changes this amino acid to an Arginine residue, and creates a premature Stop codon at position 10 of the new reading frame, denoted p.Asp117ArgfsX10. This variant is predicted to cause loss of normal protein function either through protein truncation or nonsense-mediated mRNA decay. The c.348dupC variant is not observed in large population cohorts (Lek et al., 2016).